The following is an entry in ClinVar:

NM_005559.4(LAMA1):c.3418C>T (p.Arg1140Cys)

Gene: LAMA1 (laminin subunit alpha 1; minus strand). Cytogenetic location: 18p11.31.
Variant type: single nucleotide variant.
Coding change: c.3418C>T on transcript NM_005559.4 (MANE Select); coding-DNA position 3418, C replaced by T.
Protein change: p.Arg1140Cys; replaces arginine 1140 with cysteine.
Molecular consequence: missense variant.
Genome position (GRCh38, 1-based): chr18:7,012,084, G>A on the plus strand (C>T on the coding strand, the complement: LAMA1 is on the minus strand). VCF-style: chr18-7012084-G-A. GRCh37 (hg19) VCF-style: chr18-7012083-G-A.
Other names: c.3418C>T (NM_005559.3); short protein forms R1140C.
Identifiers: ClinVar variation 2148299 (VCV002148299.2), dbSNP rs149357158, ClinGen allele CA8882296.

ClinVar aggregate classification (germline): Uncertain significance. Review status: criteria provided, multiple submitters, no conflicts (2 of 4 stars). 2 submissions from 2 submitters: Uncertain significance (2). Last evaluated 2024-06-11.

Conditions:
Inborn genetic diseases. Identifiers: MedGen C0950123, MeSH D030342.

Allele frequency attached by ClinVar (database versions not stated): gnomAD exomes 0.00003; ExAC 0.00005; gnomAD 0.00009; ESP Exome Variant Server 0.00015; 1000 Genomes Project 30x 0.00016; 1000 Genomes Project 0.00020; TOPMed 0.00023.
gnomAD v4.1: 59 of 1,613,392 alleles (0.0037%); highest among the groups gnomAD compares: African/African-American, 0.043%; no homozygotes.

Submissions (2):

Ambry Genetics
Classification: Uncertain significance for Inborn genetic diseases. Last evaluated: 2024-06-11. Review status: criteria provided, single submitter. Criteria: Ambry Variant Classification Scheme 2023. Collection method: clinical testing. Allele origin: germline.

Labcorp Genetics (formerly Invitae), Labcorp
Classification: Uncertain significance. Last evaluated: 2022-09-27. Review status: criteria provided, single submitter. Criteria: Invitae Variant Classification Sherloc (09022015). Collection method: clinical testing. Allele origin: germline.
Comment: This sequence change replaces arginine, which is basic and polar, with cysteine, which is neutral and slightly polar, at codon 1140 of the LAMA1 protein (p.Arg1140Cys). This variant is present in population databases (rs149357158, gnomAD 0.03%). This variant has not been reported in the literature in individuals affected with LAMA1-related conditions. Advanced modeling of protein sequence and biophysical properties (such as structural, functional, and spatial information, amino acid conservation, physicochemical variation, residue mobility, and thermodynamic stability) performed at Invitae indicates that this missense variant is not expected to disrupt LAMA1 protein function. In summary, the available evidence is currently insufficient to determine the role of this variant in disease. Therefore, it has been classified as a Variant of Uncertain Significance.